The following is an entry in ClinVar:

ClinVar aggregate classification (germline): Uncertain significance (1 of 4 stars; one submission).

Conditions:
Primary ciliary dyskinesia. Also called: Ciliary dyskinesia. Identifiers: Orphanet 244, MedGen C0008780, MONDO:0016575, HP:0012265.

gnomAD v4.1: 15 of 1,614,200 alleles (0.00093%); highest among the groups gnomAD compares: Admixed American, 0.0017%; no homozygotes.

Submission:

Ambry Genetics
Classification: Uncertain significance for Primary ciliary dyskinesia. Last evaluated: 2025-10-12. Review status: criteria provided, single submitter. Criteria: Ambry Variant Classification Scheme 2023. Collection method: clinical testing. Allele origin: germline.
Comment: The p.R431W variant (also known as c.1291C>T), located in coding exon 8 of the CCDC40 gene, results from a C to T substitution at nucleotide position 1291. The arginine at codon 431 is replaced by tryptophan, an amino acid with dissimilar properties. This amino acid position is conserved. In addition, this alteration is predicted to be tolerated by in silico analysis. Based on the available evidence, the clinical significance of this variant remains unclear.

NM_017950.4(CCDC40):c.1291C>T (p.Arg431Trp)

Gene: CCDC40 (coiled-coil domain 40 molecular ruler complex subunit; plus strand). Cytogenetic location: 17q25.3.
Variant type: single nucleotide variant.
Coding change: c.1291C>T on transcript NM_017950.4 (MANE Select); coding-DNA position 1291, C replaced by T.
Protein change: p.Arg431Trp; replaces arginine 431 with tryptophan.
Molecular consequence: missense variant.
Genome position (GRCh38, 1-based): chr17:80,058,625, C>T. VCF-style: chr17-80058625-C-T. GRCh37 (hg19) VCF-style: chr17-78032424-C-T.
Other names: c.1291C>T, p.Arg431Trp (NM_001243342.2, NM_001330508.2); short protein forms R431W.
Identifiers: ClinVar variation 3997008 (VCV003997008.1).